The following is an entry in ClinVar:

NM_000179.3(MSH6):c.3399delinsGTA (p.Thr1133_Gly1134insTer)

Gene: MSH6 (mutS homolog 6; plus strand). Cytogenetic location: 2p16.3.
Variant type: Indel.
Coding change: c.3399delinsGTA on transcript NM_000179.3 (MANE Select); coding-DNA position 3399, T replaced by GTA.
Protein change: p.Thr1133_Gly1134insTer.
Molecular consequence: frameshift variant. On other transcripts: nonsense (38).
Genome position (GRCh38, 1-based): chr2:47,803,646, T replaced by GTA. VCF-style: chr2-47803646-T-GTA. GRCh37 (hg19) VCF-style: chr2-48030785-T-GTA.
Other names: c.3009delinsGTA, p.Thr1003_Gly1004insTer (NM_001281492.2); c.2493delinsGTA, p.Thr831_Gly832insTer (NM_001281493.2, NM_001281494.2); c.3495delTinsGTA, p.Gly1166Terfs (NM_001406795.1, NM_001406802.1); c.3399delTinsGTA, p.Gly1134Terfs (NM_001406796.1, NM_001406800.1, NM_001406808.1 and 1 more transcripts); c.3102delTinsGTA, p.Gly1035Terfs (NM_001406797.1, NM_001406801.1, NM_001406805.1 and 10 more transcripts); c.3225delTinsGTA, p.Gly1076Terfs (NM_001406798.1); c.2874delTinsGTA, p.Gly959Terfs (NM_001406799.1, NM_001406806.1, NM_001406807.1); c.2535delTinsGTA, p.Gly846Terfs (NM_001406803.1); and 8 more.
Identifiers: ClinVar variation 2431259 (VCV002431259.1), dbSNP rs2530774225, ClinGen allele CA2580067100.

ClinVar aggregate classification (germline): Pathogenic (1 of 4 stars; one submission).

Conditions:
Lynch syndrome 5 (LYNCH5). Also called: Colorectal cancer, hereditary nonpolyposis, type 5; Hereditary non-polyposis colorectal cancer, type 5. Identifiers: Orphanet 144, MedGen C1833477, MONDO:0013710, OMIM 614350. Disease mechanism: loss of function.

Submission:

Myriad Genetics, Inc.
Classification: Pathogenic for Lynch syndrome 5. Last evaluated: 2023-01-31. Review status: criteria provided, single submitter. Criteria: Myriad Autosomal Dominant, Autosomal Recessive and X-Linked Classification Criteria (2023). Collection method: clinical testing. Allele origin: unknown.
Comment: This variant is considered pathogenic. This variant creates a termination codon and is predicted to result in premature protein truncation.